The following is an entry in ClinVar:

ClinVar aggregate classification (germline): Uncertain significance (1 of 4 stars; one submission).

Conditions:
Predisposition to invasive fungal disease due to CARD9 deficiency (IMD103). Also called: IMMUNODEFICIENCY 103, SUSCEPTIBILITY TO FUNGAL INFECTIONS; CARD9 IMMUNODEFICIENCY; Candidiasis, familial, 2, autosomal recessive. Identifiers: Orphanet 457088, MedGen C1859353, MONDO:0008905, OMIM 212050.

Submission:

Labcorp Genetics (formerly Invitae), Labcorp
Classification: Uncertain significance for Predisposition to invasive fungal disease due to CARD9 deficiency. Last evaluated: 2025-03-18. Review status: criteria provided, single submitter. Criteria: Invitae Variant Classification Sherloc (09022015). Collection method: clinical testing. Allele origin: germline.
Comment: This sequence change affects the initiator methionine of the CARD9 mRNA. The next in-frame methionine is located at codon 105. This variant is not present in population databases (gnomAD no frequency). Disruption of the initiator codon has been observed in individual(s) with clinical features of CARD9-related conditions (PMID: 27777981, 38483073). Experimental studies and prediction algorithms are not available or were not evaluated, and the functional significance of this variant is currently unknown. In summary, the available evidence is currently insufficient to determine the role of this variant in disease. Therefore, it has been classified as a Variant of Uncertain Significance.

Literature cited by the submitters: PubMed 27777981; PubMed 38483073.

NM_052813.5(CARD9):c.1A>G (p.Met1Val)

Gene: CARD9 (caspase recruitment domain family member 9; minus strand). Cytogenetic location: 9q34.3.
Variant type: single nucleotide variant.
Coding change: c.1A>G on transcript NM_052813.5 (MANE Select); coding-DNA position 1, A replaced by G.
Protein change: p.Met1Val; changes the start codon (methionine 1).
Molecular consequence: missense variant, initiator codon variant.
Genome position (GRCh38, 1-based): chr9:136,372,078, T>C on the plus strand (A>G on the coding strand, the complement: CARD9 is on the minus strand). VCF-style: chr9-136372078-T-C. GRCh37 (hg19) VCF-style: chr9-139266530-T-C.
Other names: c.1A>G, p.Met1Val (NM_052814.4); short protein forms M1V.
Identifiers: ClinVar variation 4776775 (VCV004776775.1).